The following is an entry in ClinVar:

ClinVar aggregate classification (germline): Uncertain significance (1 of 4 stars; one submission).

Conditions:
Hereditary cancer-predisposing syndrome. Also called: Neoplastic Syndromes, Hereditary; Tumor predisposition; Hereditary neoplastic syndrome; Hereditary Cancer Syndrome. Identifiers: Orphanet 140162, MedGen C0027672, MeSH D009386, MONDO:0015356.

Submission:

Ambry Genetics
Classification: Uncertain significance for Hereditary cancer-predisposing syndrome. Last evaluated: 2026-07-07. Review status: criteria provided, single submitter. Criteria: Ambry Variant Classification Scheme 2023. Collection method: clinical testing. Allele origin: germline.
Comment: The p.E2263K variant (also known as c.6787G>A), located in coding exon 15 of the APC gene, results from a G to A substitution at nucleotide position 6787. The glutamic acid at codon 2263 is replaced by lysine, an amino acid with similar properties. This amino acid position is conserved. In addition, in silico predictors for this gene do not accurately predict pathogenicity. Based on the available evidence, the clinical significance of this variant remains unclear.

NM_000038.6(APC):c.6787G>A (p.Glu2263Lys)

Gene: APC (APC regulator of Wnt signaling pathway; plus strand). Cytogenetic location: 5q22.2.
Variant type: single nucleotide variant.
Coding change: c.6787G>A on transcript NM_000038.6 (MANE Select); coding-DNA position 6787, G replaced by A.
Protein change: p.Glu2263Lys; replaces glutamic acid 2263 with lysine.
Molecular consequence: missense variant. On other transcripts: non-coding transcript variant (2).
Genome position (GRCh38, 1-based): chr5:112,842,381, G>A. VCF-style: chr5-112842381-G-A. GRCh37 (hg19) VCF-style: chr5-112178078-G-A.
Other names: c.6787G>A, p.Glu2263Lys (NM_001127510.3, NM_001354895.2, NM_001407450.1); c.6733G>A, p.Glu2245Lys (NM_001127511.3); c.6841G>A, p.Glu2281Lys (NM_001354896.2, NM_001407447.1, NM_001407448.1 and 1 more transcripts); c.6817G>A, p.Glu2273Lys (NM_001354897.2); c.6712G>A, p.Glu2238Lys (NM_001354898.2); c.6703G>A, p.Glu2235Lys (NM_001354899.2); c.6664G>A, p.Glu2222Lys (NM_001354900.2); c.6610G>A, p.Glu2204Lys (NM_001354901.2, NM_001407453.1); and 11 more; short protein forms E1879K, E2137K, E2253K, E2103K, E2172K, E2180K, E2273K, E2281K.
Identifiers: ClinVar variation 5025172 (VCV005025172.1).